The following is an entry in ClinVar:

ClinVar aggregate classification (germline): Uncertain significance (1 of 4 stars; one submission).

Conditions:
Inflammatory bowel disease 28. Also called: Inflammatory bowel disease 28, early onset, autosomal recessive. Identifiers: Orphanet 238569, MedGen C2751053, MONDO:0013153, OMIM 613148.

Submission:

Labcorp Genetics (formerly Invitae), Labcorp
Classification: Uncertain significance for Inflammatory bowel disease 28. Last evaluated: 2022-07-12. Review status: criteria provided, single submitter. Criteria: Invitae Variant Classification Sherloc (09022015). Collection method: clinical testing. Allele origin: germline.
Comment: In summary, the available evidence is currently insufficient to determine the role of this variant in disease. Therefore, it has been classified as a Variant of Uncertain Significance. Variants that disrupt the consensus splice site are a relatively common cause of aberrant splicing (PMID: 17576681, 9536098). Algorithms developed to predict the effect of sequence changes on RNA splicing suggest that this variant is not likely to affect RNA splicing. ClinVar contains an entry for this variant (Variation ID: 1431852). This variant has not been reported in the literature in individuals affected with IL10RA-related conditions. This variant is not present in population databases (gnomAD no frequency). This sequence change falls in intron 6 of the IL10RA gene. It does not directly change the encoded amino acid sequence of the IL10RA protein. It affects a nucleotide within the consensus splice site.

Literature cited by the submitters: PubMed 17576681; PubMed 9536098.

NM_001558.4(IL10RA):c.810+6T>A

Gene: IL10RA (interleukin 10 receptor subunit alpha; plus strand). Cytogenetic location: 11q23.3.
Variant type: single nucleotide variant.
Coding change: c.810+6T>A on transcript NM_001558.4 (MANE Select); 6 bases into the intron after coding-DNA position 810, T replaced by A.
Molecular consequence: intron variant.
Genome position (GRCh38, 1-based): chr11:117,995,716, T>A. VCF-style: chr11-117995716-T-A. GRCh37 (hg19) VCF-style: chr11-117866431-T-A.
Identifiers: ClinVar variation 1431852 (VCV001431852.6), dbSNP rs2134991742, ClinGen allele CA2573147011.